The following is an entry in ClinVar:

ClinVar aggregate classification (germline): Benign/Likely benign. Review status: criteria provided, multiple submitters, no conflicts (2 of 4 stars). 4 submissions from 4 submitters: Benign (2); Likely benign (1). 1 of the submissions does not count toward it. Last evaluated 2026-01-27.

Conditions:
CSF2RB-related disorder. Also called: CSF2RB-related condition.

Allele frequency attached by ClinVar (database versions not stated): gnomAD exomes 0.00088; ExAC 0.00123; ESP Exome Variant Server 0.00438; 1000 Genomes Project 30x 0.00609; 1000 Genomes Project 0.00619.
gnomAD v4.1: 1,133 of 1,614,242 alleles (0.07%); highest among the groups gnomAD compares: African/African-American, 1.3%; 6 homozygotes.

Submissions (4):

Labcorp Genetics (formerly Invitae), Labcorp
Classification: Benign. Last evaluated: 2026-01-27. Review status: criteria provided, single submitter. Criteria: Invitae Variant Classification Sherloc (09022015). Collection method: clinical testing. Allele origin: germline.

Blueprint Genetics
Classification: Likely benign. Last evaluated: 2024-11-01. Review status: criteria provided, single submitter. Criteria: ACMG Guidelines, 2015. Collection method: clinical testing. Allele origin: germline.

Breakthrough Genomics
Classification: Benign. Review status: criteria provided, single submitter. Criteria: ACMG Guidelines, 2015. Collection method: not provided. Allele origin: germline. Inheritance: Autosomal recessive inheritance. Affected: yes.

PreventionGenetics, part of Exact Sciences
Classification: Likely benign for CSF2RB-related condition. Last evaluated: 2019-04-23. Review status: no assertion criteria provided. Collection method: clinical testing. Allele origin: germline. Not counted in ClinVar's aggregate classification.
Comment: This variant is classified as likely benign based on ACMG/AMP sequence variant interpretation guidelines (Richards et al. 2015 PMID: 25741868, with internal and published modifications).

NM_000395.3(CSF2RB):c.573C>T (p.Asn191=)

Gene: CSF2RB (colony stimulating factor 2 receptor subunit beta; plus strand). Cytogenetic location: 22q12.3.
Variant type: single nucleotide variant.
Coding change: c.573C>T on transcript NM_000395.3 (MANE Select); coding-DNA position 573, C replaced by T.
Protein change: p.Asn191=; no amino-acid change (asparagine 191 retained).
Molecular consequence: synonymous variant.
Genome position (GRCh38, 1-based): chr22:36,929,662, C>T. VCF-style: chr22-36929662-C-T. GRCh37 (hg19) VCF-style: chr22-37325704-C-T.
Other names: c.573C>T (NM_000395.2).
Identifiers: ClinVar variation 1165191 (VCV001165191.13), dbSNP rs140679574, ClinGen allele CA10213516.
Genomic context (GRCh38, chr22:36,929,662, plus strand): 5'-CAGCACCCCTCCTCCAGCACCCACTGTCTCCTGACAGGACGCAGCCATCCTCCTCTCCAA[C>T]ACCTCCCAGGCCACCCTGGGGCCAGAGCACCTCATGCCCAGCAGCACCTACGTGGCCCGA-3'
Protein context (NP_000386.1, residues 181-201): SWEDAAILLS[Asn191=]TSQATLGPEH